The following is an entry in ClinVar:

NM_007186.6(CEP250):c.94dup (p.Ala32fs)

Gene: CEP250 (centrosomal protein 250; plus strand). Cytogenetic location: 20q11.22.
Variant type: Duplication.
Coding change: c.94dup on transcript NM_007186.6 (MANE Select); coding-DNA position 94, one base duplicated (G; older notation c.94dupG).
Protein change: p.Ala32fs; shifts the reading frame from alanine 32.
Molecular consequence: frameshift variant. On other transcripts: 5 prime UTR variant (1).
Genome position (GRCh38, 1-based): chr20:35,462,461, G duplicated; the last of 2 consecutive G bases (chr20:35,462,460-35,462,461); duplicating either gives the same sequence. VCF-style (leftmost placement, unchanged base first): chr20-35462459-T-TG. GRCh37 (hg19) VCF-style: chr20-34050284-T-TG.
Other names: c.-1806dup (NM_001318219.1); short protein forms A32fs.
Identifiers: ClinVar variation 1376746 (VCV001376746.6), dbSNP rs2146671573, ClinGen allele CA2573157058.

ClinVar aggregate classification (germline): Pathogenic (1 of 4 stars; one submission).

Submission:

Labcorp Genetics (formerly Invitae), Labcorp
Classification: Pathogenic. Last evaluated: 2025-02-03. Review status: criteria provided, single submitter. Criteria: Invitae Variant Classification Sherloc (09022015). Collection method: clinical testing. Allele origin: germline.
Comment: This sequence change creates a premature translational stop signal (p.Ala32Glyfs*67) in the CEP250 gene. It is expected to result in an absent or disrupted protein product. Loss-of-function variants in CEP250 are known to be pathogenic (PMID: 24780881, 29718797). This variant is not present in population databases (gnomAD no frequency). This variant has not been reported in the literature in individuals affected with CEP250-related conditions. ClinVar contains an entry for this variant (Variation ID: 1376746). For these reasons, this variant has been classified as Pathogenic.

Literature cited by the submitters: PubMed 24780881; PubMed 29718797.